The following is an entry in ClinVar:

ClinVar aggregate classification (germline): Uncertain significance (1 of 4 stars; one submission).

Submission:

Quest Diagnostics Nichols Institute San Juan Capistrano
Classification: Uncertain significance. Last evaluated: 2023-12-26. Review status: criteria provided, single submitter. Criteria: Quest Diagnostics criteria. Collection method: clinical testing. Allele origin: unknown.
Comment: The BARD1 c.9T>A (p.Asp3Glu) variant has not been reported in individuals with BARD1-related conditions in the published literature. It also has not been reported in large, multi-ethnic general populations (Genome Aggregation Database). Analysis of this variant using bioinformatics tools for the prediction of the effect of amino acid changes on protein structure and function yielded predictions that this variant is benign. Based on the available information, we are unable to determine the clinical significance of this variant.

NM_000465.4(BARD1):c.9T>A (p.Asp3Glu)

Gene: BARD1 (BRCA1 associated RING domain 1; minus strand). Cytogenetic location: 2q35.
Variant type: single nucleotide variant.
Coding change: c.9T>A on transcript NM_000465.4 (MANE Select); coding-DNA position 9, T replaced by A.
Protein change: p.Asp3Glu; replaces aspartic acid 3 with glutamic acid.
Molecular consequence: missense variant. On other transcripts: non-coding transcript variant (3).
Genome position (GRCh38, 1-based): chr2:214,809,561, A>T on the plus strand (T>A on the coding strand, the complement: BARD1 is on the minus strand). VCF-style: chr2-214809561-A-T. GRCh37 (hg19) VCF-style: chr2-215674285-A-T.
Other names: c.9T>A, p.Asp3Glu (NM_001282543.2, NM_001282545.2, NM_001282548.2 and 1 more transcripts); short protein forms D3E.
Identifiers: ClinVar variation 3572097 (VCV003572097.1).